The following is an entry in ClinVar:

NM_000152.5(GAA):c.146T>C (p.Leu49Pro)

Gene: GAA (alpha glucosidase; plus strand). Cytogenetic location: 17q25.3.
Variant type: single nucleotide variant.
Coding change: c.146T>C on transcript NM_000152.5 (MANE Select); coding-DNA position 146, T replaced by C.
Protein change: p.Leu49Pro; replaces leucine 49 with proline.
Molecular consequence: missense variant.
Genome position (GRCh38, 1-based): chr17:80,104,732, T>C. VCF-style: chr17-80104732-T-C. GRCh37 (hg19) VCF-style: chr17-78078531-T-C.
Other names: c.146T>C, p.Leu49Pro (NM_001079803.3, NM_001079804.3, NM_001406741.1 and 1 more transcripts); short protein forms L49P.
Identifiers: ClinVar variation 4766386 (VCV004766386.1).

ClinVar aggregate classification (germline): Uncertain significance (1 of 4 stars; one submission).

Conditions:
Glycogen storage disease, type II (IOPD). Also called: CARDIOMEGALIA GLYCOGENICA DIFFUSA; GLYCOGENOSIS, GENERALIZED, CARDIAC FORM; GSD II; Pompe Disease; Glycogen storage disease type 2; Acid maltase deficiency disease. Identifiers: Orphanet 365, MedGen C0017921, MONDO:0009290, OMIM 232300.

Submission:

Labcorp Genetics (formerly Invitae), Labcorp
Classification: Uncertain significance for Glycogen storage disease, type II. Last evaluated: 2025-12-22. Review status: criteria provided, single submitter. Criteria: Invitae Variant Classification Sherloc (09022015). Collection method: clinical testing. Allele origin: germline.
Comment: This sequence change replaces leucine, which is neutral and non-polar, with proline, which is neutral and non-polar, at codon 49 of the GAA protein (p.Leu49Pro). This variant is not present in population databases (gnomAD no frequency). This variant has not been reported in the literature in individuals affected with GAA-related conditions. Invitae Evidence Modeling of protein sequence and biophysical properties (such as structural, functional, and spatial information, amino acid conservation, physicochemical variation, residue mobility, and thermodynamic stability) indicates that this missense variant is not expected to disrupt GAA protein function with a negative predictive value of 95%. In summary, the available evidence is currently insufficient to determine the role of this variant in disease. Therefore, it has been classified as a Variant of Uncertain Significance.